The following is an entry in ClinVar:

NM_003079.5(SMARCE1):c.887C>G (p.Ala296Gly)

Gene: SMARCE1 (SWI/SNF related BAF chromatin remodeling complex subunit E1; minus strand). Cytogenetic location: 17q21.2.
Variant type: single nucleotide variant.
Coding change: c.887C>G on transcript NM_003079.5 (MANE Select); coding-DNA position 887, C replaced by G.
Protein change: p.Ala296Gly; replaces alanine 296 with glycine.
Molecular consequence: missense variant.
Genome position (GRCh38, 1-based): chr17:40,630,854, G>C on the plus strand (C>G on the coding strand, the complement: SMARCE1 is on the minus strand). VCF-style: chr17-40630854-G-C. GRCh37 (hg19) VCF-style: chr17-38787106-G-C.
Other names: short protein forms A296G.
Identifiers: ClinVar variation 933601 (VCV000933601.14), dbSNP rs2037087035, ClinGen allele CA399363773.

ClinVar aggregate classification (germline): Conflicting classifications of pathogenicity. Review status: criteria provided, conflicting classifications (1 of 4 stars). 3 submissions from 3 submitters: Uncertain significance (2); Likely benign (1). Last evaluated 2026-01-12.

Conditions:
Familial meningioma. Also called: Meningioma, familial, susceptibility to. Identifiers: Orphanet 263662, MedGen C3551915, MONDO:0011789, OMIM 607174.
Hereditary cancer-predisposing syndrome. Also called: Neoplastic Syndromes, Hereditary; Hereditary Cancer Syndrome; Hereditary neoplastic syndrome; Tumor predisposition. Identifiers: Orphanet 140162, MedGen C0027672, MeSH D009386, MONDO:0015356.

Allele frequency attached by ClinVar (database versions not stated): gnomAD exomes 0.00001.
gnomAD v4.1: 10 of 1,613,788 alleles (0.00062%); highest among the groups gnomAD compares: Non-Finnish European, 0.00085%; no homozygotes.

Submissions (3):

Labcorp Genetics (formerly Invitae), Labcorp
Classification: Uncertain significance for Familial meningioma. Last evaluated: 2026-01-12. Review status: criteria provided, single submitter. Criteria: Invitae Variant Classification Sherloc (09022015). Collection method: clinical testing. Allele origin: germline.
Comment: This sequence change replaces alanine, which is neutral and non-polar, with glycine, which is neutral and non-polar, at codon 296 of the SMARCE1 protein (p.Ala296Gly). This variant is not present in population databases (gnomAD no frequency). This variant has not been reported in the literature in individuals affected with SMARCE1-related conditions. ClinVar contains an entry for this variant (Variation ID: 933601). Invitae Evidence Modeling of protein sequence and biophysical properties (such as structural, functional, and spatial information, amino acid conservation, physicochemical variation, residue mobility, and thermodynamic stability) has been performed for this missense variant. However, the output from this modeling did not meet the statistical confidence thresholds required to predict the impact of this variant on SMARCE1 protein function. In summary, the available evidence is currently insufficient to determine the role of this variant in disease. Therefore, it has been classified as a Variant of Uncertain Significance.

Ambry Genetics
Classification: Likely benign for Hereditary cancer-predisposing syndrome. Last evaluated: 2024-07-11. Review status: criteria provided, single submitter. Criteria: Ambry Variant Classification Scheme 2023. Collection method: clinical testing. Allele origin: germline.

GeneDx
Classification: Uncertain significance. Last evaluated: 2023-03-22. Review status: criteria provided, single submitter. Criteria: GeneDx Variant Classification Process June 2021. Collection method: clinical testing. Allele origin: germline. Affected: yes.
Comment: Not observed at significant frequency in large population cohorts (gnomAD); In silico analysis supports that this missense variant does not alter protein structure/function; Has not been previously published as pathogenic or benign to our knowledge